The following is an entry in ClinVar:

NM_014319.5(LEMD3):c.2480A>C (p.Lys827Thr)

Gene: LEMD3 (LEM domain containing 3; plus strand). Cytogenetic location: 12q14.3.
Variant type: single nucleotide variant.
Coding change: c.2480A>C on transcript NM_014319.5 (MANE Select); coding-DNA position 2480, A replaced by C.
Protein change: p.Lys827Thr; replaces lysine 827 with threonine.
Molecular consequence: missense variant.
Genome position (GRCh38, 1-based): chr12:65,245,761, A>C. VCF-style: chr12-65245761-A-C. GRCh37 (hg19) VCF-style: chr12-65639541-A-C.
Other names: c.2477A>C, p.Lys826Thr (NM_001167614.2); short protein forms K826T, K827T.
Identifiers: ClinVar variation 2719974 (VCV002719974.3), dbSNP rs970897423, ClinGen allele CA238915714.
Genomic context (GRCh38, chr12:65,245,761, plus strand): 5'-AAGAAGCAATTTTAGAAAAATGCAGTGATAATGATGGCATTGTTCACATTGCAGTAGACA[A>C]AAATTCACGTGAGGTAAAGTAACTTTTGGTATTGAATTTCATGTTTTGGATTTGTTGCTA-3'
Protein context (NP_055134.2, residues 817-837): NDGIVHIAVD[Lys827Thr]NSREGCVYVK

ClinVar aggregate classification (germline): Uncertain significance (1 of 4 stars; one submission).

Submission:

Labcorp Genetics (formerly Invitae), Labcorp
Classification: Uncertain significance. Last evaluated: 2025-06-12. Review status: criteria provided, single submitter. Criteria: Invitae Variant Classification Sherloc (09022015). Collection method: clinical testing. Allele origin: germline.
Comment: This sequence change replaces lysine, which is basic and polar, with threonine, which is neutral and polar, at codon 827 of the LEMD3 protein (p.Lys827Thr). This variant is not present in population databases (gnomAD no frequency). This variant has not been reported in the literature in individuals affected with LEMD3-related conditions. ClinVar contains an entry for this variant (Variation ID: 2719974). Invitae Evidence Modeling of protein sequence and biophysical properties (such as structural, functional, and spatial information, amino acid conservation, physicochemical variation, residue mobility, and thermodynamic stability) has been performed for this missense variant. However, the output from this modeling did not meet the statistical confidence thresholds required to predict the impact of this variant on LEMD3 protein function. In summary, the available evidence is currently insufficient to determine the role of this variant in disease. Therefore, it has been classified as a Variant of Uncertain Significance.